The following is an entry in ClinVar:

ClinVar aggregate classification (germline): Likely pathogenic (1 of 4 stars; one submission).

Allele frequency attached by ClinVar (database versions not stated): TOPMed below 0.00001; gnomAD 0.00001.
gnomAD v4.1: 3 of 1,612,922 alleles (0.00019%); highest among the groups gnomAD compares: African/African-American, 0.004%; no homozygotes.

Submission:

Labcorp Genetics (formerly Invitae), Labcorp
Classification: Likely pathogenic. Last evaluated: 2023-09-21. Review status: criteria provided, single submitter. Criteria: Invitae Variant Classification Sherloc (09022015). Collection method: clinical testing. Allele origin: germline.
Comment: In summary, the currently available evidence indicates that the variant is pathogenic, but additional data are needed to prove that conclusively. Therefore, this variant has been classified as Likely Pathogenic. Algorithms developed to predict the effect of sequence changes on RNA splicing suggest that this variant may disrupt the consensus splice site. ClinVar contains an entry for this variant (Variation ID: 1478071). This variant has not been reported in the literature in individuals affected with GLE1-related conditions. This variant is not present in population databases (gnomAD no frequency). This sequence change affects a donor splice site in intron 4 of the GLE1 gene. It is expected to disrupt RNA splicing. Variants that disrupt the donor or acceptor splice site typically lead to a loss of protein function (PMID: 16199547), and loss-of-function variants in GLE1 are known to be pathogenic (PMID: 18204449, 24243016, 27684565).

Literature cited by the submitters: PubMed 16199547; PubMed 18204449; PubMed 24243016; PubMed 27684565.

NM_001003722.2(GLE1):c.581+2T>C

Gene: GLE1 (GLE1 RNA export mediator; plus strand). Cytogenetic location: 9q34.11.
Variant type: single nucleotide variant.
Coding change: c.581+2T>C on transcript NM_001003722.2 (MANE Select); the canonical splice donor site of the intron after coding-DNA position 581, T replaced by C.
Molecular consequence: splice donor variant.
Genome position (GRCh38, 1-based): chr9:128,522,818, T>C. VCF-style: chr9-128522818-T-C. GRCh37 (hg19) VCF-style: chr9-131285097-T-C.
Other names: c.581+2T>C (NM_001499.2, NM_001411013.1).
Identifiers: ClinVar variation 1478071 (VCV001478071.8), dbSNP rs983867817, ClinGen allele CA200380633.